The following is an entry in ClinVar:

NM_001365088.1(SLC12A6):c.2100del (p.Trp700fs)

Gene: SLC12A6 (solute carrier family 12 member 6; minus strand). Cytogenetic location: 15q14.
Variant type: Deletion.
Coding change: c.2100del on transcript NM_001365088.1 (MANE Select); coding-DNA position 2100, one base deleted (G; older notation c.2100delG).
Protein change: p.Trp700fs; shifts the reading frame from tryptophan 700.
Molecular consequence: frameshift variant.
Genome position (GRCh38, 1-based): chr15:34,242,164, C deleted on the plus strand (G on the coding strand, the reverse complement: SLC12A6 is on the minus strand); the first of 2 consecutive C bases (chr15:34,242,164-34,242,165); deleting either gives the same sequence. VCF-style (leftmost placement, unchanged base first): chr15-34242163-AC-A. GRCh37 (hg19) VCF-style: chr15-34534364-AC-A.
Other names: c.1923del, p.Trp641fs (NM_001042494.2, NM_001042495.2); c.2073del, p.Trp691fs (NM_001042496.2); c.2055del, p.Trp685fs (NM_001042497.2); c.1947del, p.Trp649fs (NM_005135.2); c.2100del, p.Trp700fs (NM_133647.2); short protein forms W641fs, W649fs, W685fs, W691fs, W700fs.
Identifiers: ClinVar variation 1725839 (VCV001725839.2), dbSNP rs2509767492, ClinGen allele CA2575668467.

ClinVar aggregate classification (germline): Likely pathogenic (1 of 4 stars; one submission).

Conditions:
Agenesis of the corpus callosum with peripheral neuropathy (ACCPN). Also called: CHARLEVOIX DISEASE; POLYNEUROPATHY, SENSORIMOTOR, WITH OR WITHOUT AGENESIS OF THE CORPUS CALLOSUM; HMSN/ACC; Hereditary Motor and Sensory Neuropathy with Agenesis of the Corpus Callosum. Identifiers: Orphanet 1496, MedGen C0795950, MONDO:0000902, OMIM 218000. Disease mechanism: loss of function.

Submission:

Myriad Genetics, Inc.
Classification: Likely pathogenic for Agenesis of the corpus callosum with peripheral neuropathy. Last evaluated: 2022-04-02. Review status: criteria provided, single submitter. Criteria: Myriad Women's Health Autosomal Recessive and X-Linked Classification Criteria (2021). Collection method: clinical testing. Allele origin: unknown.
Comment: NM_133647.1(SLC12A6):c.2100delG(W700Cfs*6) is expected to be pathogenic in the context of Andermann syndrome. This variant is predicted to lead to an abnormal or absent protein product due to the creation of a premature termination codon in SLC12A6, a gene where loss-of-function variants are known to be pathogenic. Please note: this variant was assessed in the context of healthy population screening.